The following is an entry in ClinVar:

NM_002863.5(PYGL):c.916C>T (p.Gln306Ter)

Gene: PYGL (glycogen phosphorylase L; minus strand). Cytogenetic location: 14q22.1.
Variant type: single nucleotide variant.
Coding change: c.916C>T on transcript NM_002863.5 (MANE Select); coding-DNA position 916, C replaced by T.
Protein change: p.Gln306Ter; replaces glutamine 306 with a stop codon.
Molecular consequence: nonsense.
Genome position (GRCh38, 1-based): chr14:50,917,045, G>A on the plus strand (C>T on the coding strand, the complement: PYGL is on the minus strand). VCF-style: chr14-50917045-G-A. GRCh37 (hg19) VCF-style: chr14-51383763-G-A.
Other names: c.814C>T, p.Gln272Ter (NM_001163940.2); short protein forms Q272*, Q306*.
Identifiers: ClinVar variation 2584811 (VCV002584811.1), dbSNP rs2503501168, ClinGen allele CA389690252.

ClinVar aggregate classification (germline): Likely pathogenic (1 of 4 stars; one submission).

Conditions:
Glycogen storage disease, type VI (GSD6). Also called: Hepatic glycogen phosphorylase deficiency; Glycogen storage disease type 6; HERS DISEASE; PHOSPHORYLASE DEFICIENCY GLYCOGEN-STORAGE DISEASE OF LIVER; Glycogen storage disease type 6, due to phosphorylation; GSD VI. Identifiers: Orphanet 369, MedGen C0017925, MONDO:0009294, OMIM 232700.

Submission:

Neuberg Centre For Genomic Medicine, NCGM
Classification: Likely pathogenic for Glycogen storage disease, type VI. Review status: criteria provided, single submitter. Criteria: ACMG Guidelines, 2015. Collection method: clinical testing. Allele origin: germline. Inheritance: Autosomal recessive inheritance. Affected: yes.
Comment: The c.916C>T (p.Gln306Ter) stop gained variant in PYGL gene has not been reported previously as a pathogenic variant nor as a benign variant, to our knowledge. The c.916C>T variant is novel (not in any individuals) in gnomAD Exomes and 1000 Genomes. The nucleotide change c.916C>T in PYGL is predicted as conserved by GERP++ and PhyloP across 100 vertebrates. This variant is predicted to cause loss of normal protein function through protein truncation. Loss of function variants have been previously reported to be disease causing. For these reasons, this variant has been classified as Likely Pathogenic.